The following is an entry in ClinVar:

ClinVar aggregate classification (germline): Uncertain significance (1 of 4 stars; one submission).

Submission:

Women's Health and Genetics/Laboratory Corporation of America, LabCorp
Classification: Uncertain significance. Last evaluated: 2026-01-21. Review status: criteria provided, single submitter. Criteria: LabCorp Variant Classification Summary - May 2015. Collection method: clinical testing. Allele origin: germline.
Comment: Variant summary: CFTR c.1356G>C (p.Gln452His) results in a non-conservative amino acid change in the encoded protein sequence. Algorithms developed to predict the effect of missense changes on protein structure and function all suggest that this variant is likely to be disruptive. The variant was absent in 240414 control chromosomes. The available data on variant occurrences in the general population are insufficient to allow any conclusion about variant significance. To our knowledge, no occurrence of c.1356G>C in individuals affected with CFTR-related conditions and no experimental evidence demonstrating its impact on protein function have been reported. No submitters have cited clinical-significance assessments for this variant to ClinVar. Based on the evidence outlined above, the variant was classified as uncertain significance.

NM_000492.4(CFTR):c.1356G>C (p.Gln452His)

Genes: CFTR (CF transmembrane conductance regulator; plus strand), CFTR-AS1 (CFTR antisense RNA 1; minus strand). Cytogenetic location: 7q31.2.
Variant type: single nucleotide variant.
Coding change: c.1356G>C on transcript NM_000492.4 (MANE Select); coding-DNA position 1356, G replaced by C.
Protein change: p.Gln452His; replaces glutamine 452 with histidine.
Molecular consequence: missense variant.
Genome position (GRCh38, 1-based): chr7:117,548,787, G>C. VCF-style: chr7-117548787-G-C. GRCh37 (hg19) VCF-style: chr7-117188841-G-C.
Other names: short protein forms Q452H.
Identifiers: ClinVar variation 4689179 (VCV004689179.1).